The following is an entry in ClinVar:

ClinVar aggregate classification (germline): Likely pathogenic (1 of 4 stars; one submission).

Conditions:
Immunodeficiency, common variable, 7. Identifiers: Orphanet 1572, Orphanet 696894, MedGen C3542922, MONDO:0013862, OMIM 614699.

gnomAD v4.1: 4 of 1,613,574 alleles (0.00025%); highest among the groups gnomAD compares: East Asian, 0.0089%; no homozygotes.

Submission:

3billion
Classification: Likely pathogenic for Immunodeficiency, common variable, 7. Last evaluated: 2025-01-20. Review status: criteria provided, single submitter. Criteria: ACMG Guidelines, 2015. Collection method: clinical testing. Allele origin: germline. Affected: yes.
Comment: The variant is observed at an extremely low frequency in the gnomAD v4.1.0 dataset (total allele frequency: <0.001%). Predicted Consequence/Location: Canonical splice site: predicted to alter splicing and result in a loss or disruption of normal protein function. Multiple pathogenic loss-of-function variants are reported downstream of the variant. In silico tools predict the variant to alter splicing and produce an abnormal transcript [SpliceAI: 0.90 (spliceogenicity >=0.2, non-spliceogenicity <0.1)]. Therefore, this variant is classified as Likely pathogenic according to the recommendation of ACMG/AMP guideline.

NM_001006658.3(CR2):c.1978+2T>C

Gene: CR2 (complement C3d receptor 2; plus strand). Cytogenetic location: 1q32.2.
Variant type: single nucleotide variant.
Coding change: c.1978+2T>C on transcript NM_001006658.3 (MANE Select); the canonical splice donor site of the intron after coding-DNA position 1978, T replaced by C.
Molecular consequence: splice donor variant.
Genome position (GRCh38, 1-based): chr1:207,473,181, T>C. VCF-style: chr1-207473181-T-C. GRCh37 (hg19) VCF-style: chr1-207646526-T-C.
Other names: c.1978+2T>C (NM_001877.5).
Identifiers: ClinVar variation 4292800 (VCV004292800.1).
Genomic context (GRCh38, chr1:207,473,181, plus strand): 5'-TCAGATTCGTTGCAAAGCTGATAACACCTGGGATCCTGAAATACCAGTTTGTGAAAAAGG[T>C]AAAAACCCAATAAGGGGGAAAAAAGGAGAGATTTACTTAATTATTCTTGTTTATTATCTC-3'